The following is an entry in ClinVar:

NM_014927.5(CNKSR2):c.3100G>T (p.Val1034Phe)

Gene: CNKSR2 (connector enhancer of kinase suppressor of Ras 2; plus strand). Cytogenetic location: Xp22.12.
Variant type: single nucleotide variant.
Coding change: c.3100G>T on transcript NM_014927.5 (MANE Select); coding-DNA position 3100, G replaced by T.
Protein change: p.Val1034Phe; replaces valine 1034 with phenylalanine.
Molecular consequence: missense variant.
Genome position (GRCh38, 1-based): chrX:21,652,516, G>T. VCF-style: chrX-21652516-G-T. GRCh37 (hg19) VCF-style: chrX-21670634-G-T.
Other names: c.3010G>T, p.Val1004Phe (NM_001168647.3); c.2953G>T, p.Val985Phe (NM_001330770.2); c.2863G>T, p.Val955Phe (NM_001330772.2); short protein forms V1004F, V1034F, V955F, V985F.
Identifiers: ClinVar variation 4282021 (VCV004282021.1).
Genomic context (GRCh38, chrX:21,652,516, plus strand): 5'-TCTGAAGTAGATGTAATCACTTCCTCTCTAGCACACACTCATTCATACATTGAAACGCAT[G>T]TCTAAATGTATTCTGCCTTCAGACCATCTAGTACCTGCTGGTACTCTGAACAAGTATATA-3'
Protein context (NP_055742.2, residues 1024-1034): AHTHSYIETH[Val1034Phe]

ClinVar aggregate classification (germline): Uncertain significance (1 of 4 stars; one submission).

Submission:

GeneDx
Classification: Uncertain significance. Last evaluated: 2025-04-16. Review status: criteria provided, single submitter. Criteria: GeneDx Variant Classification Process June 2021. Collection method: clinical testing. Allele origin: germline. Affected: yes.
Comment: Not observed at significant frequency in large population cohorts (gnomAD); In silico analysis indicates that this missense variant does not alter protein structure/function; Has not been previously published as pathogenic or benign to our knowledge